The following is an entry in ClinVar:

NM_021224.6(ZNF462):c.3798A>T (p.Lys1266Asn)

Gene: ZNF462 (zinc finger protein 462; plus strand). Cytogenetic location: 9q31.2.
Variant type: single nucleotide variant.
Coding change: c.3798A>T on transcript NM_021224.6 (MANE Select); coding-DNA position 3798, A replaced by T.
Protein change: p.Lys1266Asn; replaces lysine 1266 with asparagine.
Molecular consequence: missense variant. On other transcripts: intron variant (1).
Genome position (GRCh38, 1-based): chr9:106,927,710, A>T. VCF-style: chr9-106927710-A-T. GRCh37 (hg19) VCF-style: chr9-109689991-A-T.
Other names: c.3252+546A>T (NM_001347997.2); short protein forms K1266N.
Identifiers: ClinVar variation 2506042 (VCV002506042.3), dbSNP rs1053553370, ClinGen allele CA374404894.

ClinVar aggregate classification (germline): Uncertain significance (1 of 4 stars; one submission).

Allele frequency attached by ClinVar (database versions not stated): TOPMed 0.00001.
gnomAD v4.1: 3 of 1,613,982 alleles (0.00019%); highest among the groups gnomAD compares: Admixed American, 0.005%; no homozygotes.

Submission:

Women's Health and Genetics/Laboratory Corporation of America, LabCorp
Classification: Uncertain significance. Last evaluated: 2026-02-18. Review status: criteria provided, single submitter. Criteria: LabCorp Variant Classification Summary - May 2015. Collection method: clinical testing. Allele origin: germline.
Comment: Variant summary: ZNF462 c.3798A>T (p.Lys1266Asn) results in a non-conservative amino acid change located in a C2H2-type zinc finger domain (IPR013087) of the encoded protein sequence. Algorithms developed to predict the effect of missense changes on protein structure and function are either unavailable or do not agree on the potential impact of this missense change. The variant was absent in 251456 control chromosomes (gnomAD). The available data on variant occurrences in the general population are insufficient to allow any conclusion about variant significance. To our knowledge, no occurrence of c.3798A>T in individuals affected with ZNF462-related conditions and no experimental evidence demonstrating its impact on protein function have been reported. ClinVar contains an entry for this variant (Variation ID: 2506042). Based on the evidence outlined above, the variant was classified as uncertain significance.